The following is an entry in ClinVar:

NM_001356.5(DDX3X):c.1227C>T (p.Gly409=)

Gene: DDX3X (DEAD-box helicase 3 X-linked; plus strand). Cytogenetic location: Xp11.4.
Variant type: single nucleotide variant.
Coding change: c.1227C>T on transcript NM_001356.5 (MANE Select); coding-DNA position 1227, C replaced by T.
Protein change: p.Gly409=; no amino-acid change (glycine 409 retained).
Molecular consequence: synonymous variant. On other transcripts: non-coding transcript variant (1).
Genome position (GRCh38, 1-based): chrX:41,345,460, C>T. VCF-style: chrX-41345460-C-T. GRCh37 (hg19) VCF-style: chrX-41204713-C-T.
Other names: c.1227C>T, p.Gly409= (NM_001193416.3); c.1179C>T, p.Gly393= (NM_001193417.3); c.669C>T, p.Gly223= (NM_001363819.1).
Identifiers: ClinVar variation 2581453 (VCV002581453.5), dbSNP rs375797450, ClinGen allele CA10389604.

ClinVar aggregate classification (germline): Benign/Likely benign. Review status: criteria provided, multiple submitters, no conflicts (2 of 4 stars). 3 submissions from 3 submitters: Benign (1); Likely benign (2). Last evaluated 2023-08-30.

Allele frequency attached by ClinVar (database versions not stated): TOPMed 0.00001; ExAC 0.00002; gnomAD 0.00002; gnomAD exomes 0.00002; ESP Exome Variant Server 0.00020.
gnomAD v4.1: 19 of 1,207,780 alleles (0.0016%); highest among the groups gnomAD compares: Non-Finnish European, 0.0021%; no homozygotes.

Submissions (3):

Women's Health and Genetics/Laboratory Corporation of America, LabCorp
Classification: Likely benign. Last evaluated: 2023-08-30. Review status: criteria provided, single submitter. Criteria: LabCorp Variant Classification Summary - May 2015. Collection method: clinical testing. Allele origin: germline.
Comment: Variant summary: DDX3X c.1227C>T alters a non-conserved nucleotide resulting in a synonymous change. Consensus agreement among computation tools predicts no significant impact on normal splicing. However, these predictions have yet to be confirmed by functional studies. The variant allele was found at a frequency of 1.7e-05 in 181241 control chromosomes (i.e., 3 heterozygotes; gnomAD v2.1 Exomes dataset). The available data on variant occurrences in the general population are insufficient to allow any conclusion about variant significance. To our knowledge, no occurrence of c.1227C>T in individuals affected with X-Linked Intellectual Disability 102 and no experimental evidence demonstrating its impact on protein function have been reported. No submitters have reported clinical-significance assessments for this variant to ClinVar after 2014. Based on the evidence outlined above, the variant was classified as likely benign.

Labcorp Genetics (formerly Invitae), Labcorp
Classification: Benign. Last evaluated: 2023-08-07. Review status: criteria provided, single submitter. Criteria: Invitae Variant Classification Sherloc (09022015). Collection method: clinical testing. Allele origin: germline.

Blueprint Genetics
Classification: Likely benign. Last evaluated: 2023-01-16. Review status: criteria provided, single submitter. Criteria: ACMG Guidelines, 2015. Collection method: clinical testing. Allele origin: germline.